The following is an entry in ClinVar:

NM_000465.4(BARD1):c.1903+1G>T

Gene: BARD1 (BRCA1 associated RING domain 1; minus strand). Cytogenetic location: 2q35.
Variant type: single nucleotide variant.
Coding change: c.1903+1G>T on transcript NM_000465.4 (MANE Select); the canonical splice donor site of the intron after coding-DNA position 1903, G replaced by T.
Molecular consequence: splice donor variant. On other transcripts: intron variant (1).
Genome position (GRCh38, 1-based): chr2:214,745,066, C>A on the plus strand (G>T on the coding strand, the complement: BARD1 is on the minus strand). VCF-style: chr2-214745066-C-A. GRCh37 (hg19) VCF-style: chr2-215609790-C-A.
Other names: c.493+1G>T (NM_001282548.2); c.1846+1G>T (NM_001282543.2); c.550+1G>T (NM_001282545.2); c.365-14558G>T (NM_001282549.2).
Identifiers: ClinVar variation 233167 (VCV000233167.12), dbSNP rs876660237, ClinGen allele CA10577781.
Genomic context (GRCh38, chr2:214,745,066, plus strand): 5'-TAACCATGAAAAACAAAACTAGTCTAATTCATTTCTTAATTCTCTCAAATCCAACACTTA[C>A]ATTCAAATTTTAGAATCCAGCATCCATTGAGAATCCCAAGCATACACTTCAAGGTACTTT-3'

ClinVar aggregate classification (germline): Likely pathogenic. Review status: criteria provided, multiple submitters, no conflicts (2 of 4 stars). 3 submissions from 3 submitters: Likely pathogenic (3). Last evaluated 2024-11-12.

Conditions:
Familial cancer of breast. Also called: BREAST CANCER, FAMILIAL; hereditary breast carcinoma; Hereditary breast cancer. Identifiers: Orphanet 227535, MedGen C0346153, MONDO:0016419, OMIM 114480. Disease mechanism: loss of function.
Hereditary cancer-predisposing syndrome. Also called: Neoplastic Syndromes, Hereditary; Tumor predisposition; Hereditary Cancer Syndrome; Hereditary neoplastic syndrome. Identifiers: Orphanet 140162, MedGen C0027672, MeSH D009386, MONDO:0015356.

Allele frequency attached by ClinVar (database versions not stated): gnomAD exomes below 0.00001.

Submissions (3):

Ambry Genetics
Classification: Likely pathogenic for Hereditary cancer-predisposing syndrome. Last evaluated: 2024-11-12. Review status: criteria provided, single submitter. Criteria: Ambry Variant Classification Scheme 2023. Collection method: clinical testing. Allele origin: germline.
Comment: The c.1903+1G>T intronic variant results from a G to T substitution one nucleotide after coding exon 9 of the BARD1 gene. In silico splice site analysis predicts that this alteration will weaken the native splice donor site. The resulting transcript is predicted to be in-frame and is not expected to trigger nonsense-mediated mRNAdecay; however, direct evidence is insufficient at this time (Ambry internal data). The exact functional effect of the altered amino acid sequence is unknown; however, the impacted region is critical for protein function (Ambry internal data). This variant is considered to be rare based on population cohorts in the Genome Aggregation Database (gnomAD). This nucleotide position is highly conserved in available vertebrate species. Based on the majority of available evidence to date, this variant is likely to be pathogenic.

Labcorp Genetics (formerly Invitae), Labcorp
Classification: Likely pathogenic for Familial cancer of breast. Last evaluated: 2024-10-07. Review status: criteria provided, single submitter. Criteria: Invitae Variant Classification Sherloc (09022015). Collection method: clinical testing. Allele origin: germline.
Comment: This sequence change affects a donor splice site in intron 9 of the BARD1 gene. RNA analysis indicates that disruption of this splice site induces altered splicing and may result in an absent or altered protein product. This variant is not present in population databases (gnomAD no frequency). This variant has not been reported in the literature in individuals affected with BARD1-related conditions. ClinVar contains an entry for this variant (Variation ID: 233167). Studies have shown that disruption of this splice site results in skipping of exon 8, and produces a non-functional protein and/or introduces a premature termination codon (internal data). In summary, the currently available evidence indicates that the variant is pathogenic, but additional data are needed to prove that conclusively. Therefore, this variant has been classified as Likely Pathogenic.

Myriad Genetics, Inc.
Classification: Likely pathogenic for Familial cancer of breast. Last evaluated: 2023-02-08. Review status: criteria provided, single submitter. Criteria: Myriad Autosomal Dominant, Autosomal Recessive and X-Linked Classification Criteria (2023). Collection method: clinical testing. Allele origin: unknown.
Comment: This variant is considered likely pathogenic. This variant occurs within a consensus splice junction and is predicted to result in abnormal mRNA splicing of either an out-of-frame exon or an in-frame exon necessary for protein stability and/or normal function.